The following is an entry in ClinVar:

ClinVar aggregate classification (germline): Uncertain significance (1 of 4 stars; one submission).

Conditions:
Hereditary cancer-predisposing syndrome. Also called: Neoplastic Syndromes, Hereditary; Tumor predisposition; Hereditary neoplastic syndrome; Hereditary Cancer Syndrome. Identifiers: Orphanet 140162, MedGen C0027672, MeSH D009386, MONDO:0015356.

Submission:

Ambry Genetics
Classification: Uncertain significance for Hereditary cancer-predisposing syndrome. Last evaluated: 2022-12-19. Review status: criteria provided, single submitter. Criteria: Ambry Variant Classification Scheme 2023. Collection method: clinical testing. Allele origin: germline.
Comment: The p.K874E variant (also known as c.2620A>G), located in coding exon 16 of the RAD50 gene, results from an A to G substitution at nucleotide position 2620. The lysine at codon 874 is replaced by glutamic acid, an amino acid with similar properties. This amino acid position is conserved. In addition, the in silico prediction for this alteration is inconclusive. Since supporting evidence is limited at this time, the clinical significance of this alteration remains unclear.

NM_005732.4(RAD50):c.2620A>G (p.Lys874Glu)

Gene: RAD50 (RAD50 double strand break repair protein; plus strand). Cytogenetic location: 5q31.1.
Variant type: single nucleotide variant.
Coding change: c.2620A>G on transcript NM_005732.4 (MANE Select); coding-DNA position 2620, A replaced by G.
Protein change: p.Lys874Glu; replaces lysine 874 with glutamic acid.
Molecular consequence: missense variant.
Genome position (GRCh38, 1-based): chr5:132,604,901, A>G. VCF-style: chr5-132604901-A-G. GRCh37 (hg19) VCF-style: chr5-131940593-A-G.
Other names: short protein forms K874E.
Identifiers: ClinVar variation 2451413 (VCV002451413.2), dbSNP rs2149847772, ClinGen allele CA360956598.